The following is an entry in ClinVar:

NM_000179.3(MSH6):c.2551A>G (p.Ser851Gly)

Gene: MSH6 (mutS homolog 6; plus strand). Cytogenetic location: 2p16.3.
Variant type: single nucleotide variant.
Coding change: c.2551A>G on transcript NM_000179.3 (MANE Select); coding-DNA position 2551, A replaced by G.
Protein change: p.Ser851Gly; replaces serine 851 with glycine.
Molecular consequence: missense variant.
Genome position (GRCh38, 1-based): chr2:47,800,534, A>G. VCF-style: chr2-47800534-A-G. GRCh37 (hg19) VCF-style: chr2-48027673-A-G.
Other names: c.2161A>G, p.Ser721Gly (NM_001281492.2); c.1645A>G, p.Ser549Gly (NM_001281493.2, NM_001281494.2); short protein forms S851G, S721G, S549G.
Identifiers: ClinVar variation 580928 (VCV000580928.20), dbSNP rs762352116, ClinGen allele CA069172.
Genomic context (GRCh38, chr2:47,800,534, plus strand): 5'-CCCCTGAAGAGTCAGAACCACCCAGACAGCAGGGCTATAATGTATGAAGAAACTACATAC[A>G]GCAAGAAGAAGATTATTGATTTTCTTTCTGCTCTGGAAGGATTCAAAGTAATGTGTAAAA-3'
Protein context (NP_000170.1, residues 841-861): RAIMYEETTY[Ser851Gly]KKKIIDFLSA

ClinVar aggregate classification (germline): Conflicting classifications of pathogenicity. Review status: criteria provided, conflicting classifications (1 of 4 stars). 6 submissions from 6 submitters: Uncertain significance (5); Likely benign (1). Last evaluated 2024-12-24.

Conditions:
Hereditary cancer-predisposing syndrome. Also called: Neoplastic Syndromes, Hereditary; Tumor predisposition; Hereditary neoplastic syndrome; Hereditary Cancer Syndrome. Identifiers: Orphanet 140162, MedGen C0027672, MeSH D009386, MONDO:0015356.
Hereditary nonpolyposis colorectal neoplasms. Identifiers: MedGen C0009405, MeSH D003123.
Lynch syndrome. Identifiers: Orphanet 144, MedGen C4552100, MONDO:0005835. Disease mechanism: loss of function.

Allele frequency attached by ClinVar (database versions not stated): gnomAD exomes 0.00002 and 0.00001; ExAC 0.00002.
gnomAD v4.1: 5 of 1,613,542 alleles (0.00031%); highest among the groups gnomAD compares: Admixed American, 0.0084%; no homozygotes.

Submissions (6):

Labcorp Genetics (formerly Invitae), Labcorp
Classification: Likely benign for Hereditary nonpolyposis colorectal neoplasms. Last evaluated: 2024-12-24. Review status: criteria provided, single submitter. Criteria: Invitae Variant Classification Sherloc (09022015). Collection method: clinical testing. Allele origin: germline.

All of Us Research Program, National Institutes of Health
Classification: Uncertain significance for Lynch syndrome. Last evaluated: 2024-04-16. Review status: criteria provided, single submitter. Criteria: ACMG Guidelines, 2015. Collection method: clinical testing. Allele origin: germline. Inheritance: Autosomal dominant inheritance. Observed: 1 variant allele, 1 heterozygote.
Comment: This missense variant replaces serine with glycine at codon 851 of the MSH6 protein. Computational prediction tool is inconclusive regarding the impact of this variant on protein structure and function (internally defined REVEL score threshold 0.5 < inconclusive < 0.7, PMID: 27666373). Splice site prediction tools suggest that this variant may not impact RNA splicing. To our knowledge, functional studies have not been performed for this variant. This variant has not been reported in individuals affected with hereditary cancer in the literature. This variant has been identified in 6/249084 chromosomes in the general population by the Genome Aggregation Database (gnomAD). The available evidence is insufficient to determine the role of this variant in disease conclusively. Therefore, this variant is classified as a Variant of Uncertain Significance.

This study involves interpretation of variants in research participants for the purpose of population health screening. Participant phenotype was not available at the time of variant classification. Additional details can be found in publication PMID: 35346344, PMCID: PMC8962531

Color Diagnostics, LLC DBA Color Health
Classification: Uncertain significance for Hereditary cancer-predisposing syndrome. Last evaluated: 2024-03-26. Review status: criteria provided, single submitter. Criteria: ACMG Guidelines, 2015. Collection method: clinical testing. Allele origin: germline.
Comment: This missense variant replaces serine with glycine at codon 851 of the MSH6 protein. Computational prediction is inconclusive regarding the impact of this variant on protein structure and function (internally defined REVEL score threshold 0.5 < inconclusive < 0.7, PMID: 27666373). To our knowledge, functional studies have not been reported for this variant. This variant has not been reported in individuals affected with MSH6-related disorders in the literature. This variant has been identified in 6/249084 chromosomes in the general population by the Genome Aggregation Database (gnomAD). The available evidence is insufficient to determine the role of this variant in disease conclusively. Therefore, this variant is classified as a Variant of Uncertain Significance.

Ambry Genetics
Classification: Uncertain significance for Hereditary cancer-predisposing syndrome. Last evaluated: 2024-02-01. Review status: criteria provided, single submitter. Criteria: Ambry Variant Classification Scheme 2023. Collection method: clinical testing. Allele origin: germline.
Comment: The p.S851G variant (also known as c.2551A>G), located in coding exon 4 of the MSH6 gene, results from an A to G substitution at nucleotide position 2551. The serine at codon 851 is replaced by glycine, an amino acid with similar properties. This amino acid position is highly conserved in available vertebrate species. In addition, this alteration is predicted to be deleterious by in silico analysis. Based on the available evidence, the clinical significance of this alteration remains unclear.

Women's Health and Genetics/Laboratory Corporation of America, LabCorp
Classification: Uncertain significance. Last evaluated: 2022-09-16. Review status: criteria provided, single submitter. Criteria: LabCorp Variant Classification Summary - May 2015. Collection method: clinical testing. Allele origin: germline.

GeneDx
Classification: Uncertain significance. Last evaluated: 2019-11-12. Review status: criteria provided, single submitter. Criteria: GeneDx Variant Classification Process June 2021. Collection method: clinical testing. Allele origin: germline. Affected: yes.
Comment: In silico analysis, which includes protein predictors and evolutionary conservation, supports a deleterious effect; Has not been previously published as pathogenic or benign to our knowledge